The following is an entry in ClinVar:

NM_005609.4(PYGM):c.1918dup (p.Arg640fs)

Gene: PYGM (glycogen phosphorylase, muscle associated; minus strand). Cytogenetic location: 11q13.1.
Variant type: Duplication.
Coding change: c.1918dup on transcript NM_005609.4 (MANE Select); coding-DNA position 1918, one base duplicated (C; older notation c.1918dupC).
Protein change: p.Arg640fs; shifts the reading frame from arginine 640.
Molecular consequence: frameshift variant.
Genome position (GRCh38, 1-based): chr11:64,751,376, G duplicated on the plus strand (C on the coding strand, the reverse complement: PYGM is on the minus strand); the first of 2 consecutive G bases (chr11:64,751,376-64,751,377); duplicating either gives the same sequence. VCF-style (leftmost placement, unchanged base first): chr11-64751375-C-CG. GRCh37 (hg19) VCF-style: chr11-64518847-C-CG.
Other names: c.1654dup, p.Arg552fs (NM_001164716.1); short protein forms R552fs, R640fs.
Identifiers: ClinVar variation 5012011 (VCV005012011.1).

ClinVar aggregate classification (germline): Pathogenic (1 of 4 stars; one submission).

Conditions:
Glycogen storage disease, type V (GSD5). Also called: MCARDLE DISEASE; MUSCLE GLYCOGEN PHOSPHORYLASE DEFICIENCY; MYOPHOSPHORYLASE DEFICIENCY; PYGM DEFICIENCY; McArdle type glycogen storage disease. Identifiers: Orphanet 368, MedGen C0017924, MONDO:0009293, OMIM 232600.

Submission:

Myriad Genetics, Inc.
Classification: Pathogenic for Glycogen storage disease, type V. Last evaluated: 2023-09-27. Review status: criteria provided, single submitter. Criteria: Myriad Autosomal Dominant, Autosomal Recessive and X-Linked Classification Criteria (2023). Collection method: clinical testing. Allele origin: unknown.
Comment: NM_005609.2(PYGM):c.1918dupC(R640Pfs*26) is expected to be pathogenic in the context of glycogen storage disease, PYGM-related. This variant is predicted to lead to an abnormal or absent protein product due to the creation of a premature termination codon in PYGM, a gene where loss-of-function variants are known to be pathogenic. Please note: this variant was assessed in the context of healthy population screening.